The following is an entry in ClinVar:

NM_001123385.2(BCOR):c.1232G>A (p.Arg411Gln)

Genes: BCOR (BCL6 corepressor; minus strand), LOC126863239 (MED14-independent group 3 enhancer GRCh37_chrX:39932994-39934193; plus strand). Cytogenetic location: Xp11.4.
Variant type: single nucleotide variant.
Coding change: c.1232G>A on transcript NM_001123385.2 (MANE Select); coding-DNA position 1232, G replaced by A.
Protein change: p.Arg411Gln; replaces arginine 411 with glutamine.
Molecular consequence: missense variant.
Genome position (GRCh38, 1-based): chrX:40,074,114, C>T on the plus strand (G>A on the coding strand, the complement: BCOR is on the minus strand). VCF-style: chrX-40074114-C-T. GRCh37 (hg19) VCF-style: chrX-39933367-C-T.
Other names: c.1232G>A, p.Arg411Gln (NM_001123383.2, NM_001123384.2, NM_017745.6); short protein forms R411Q.
Identifiers: ClinVar variation 533715 (VCV000533715.1), dbSNP rs754579483, ClinGen allele CA327993333.
Genomic context (GRCh38, chrX:40,074,114, plus strand): 5'-GTCTGCTTCTCCAACAGAGGAGGTGAGCTGCCATCTTTTCTGTCTTGAACCGCTGTCTTC[C>T]GGGCATGCCCGGGCACTGGCTGGGCACCTTCGCCCCCTTCCGGAGCCTTGGGATACTTGC-3'
Protein context (NP_001116857.1, residues 401-421): EGAQPVPGHA[Arg411Gln]KTAVQDRKDG

ClinVar aggregate classification (germline): Uncertain significance (1 of 4 stars; one submission).

Conditions:
Oculofaciocardiodental syndrome (MCOPS2). Identifiers: Orphanet 2712, MedGen C1846265, MONDO:0010261, OMIM 300166.

Allele frequency attached by ClinVar (database versions not stated): TOPMed 0.00001.
gnomAD v4.1: 12 of 1,211,874 alleles (0.00099%); highest among the groups gnomAD compares: Admixed American, 0.0043%; no homozygotes.

Submission:

Labcorp Genetics (formerly Invitae), Labcorp
Classification: Uncertain significance for Oculofaciocardiodental syndrome. Last evaluated: 2017-08-14. Review status: criteria provided, single submitter. Criteria: Invitae Variant Classification Sherloc (09022015). Collection method: clinical testing. Allele origin: germline.
Comment: This sequence change replaces arginine with glutamine at codon 411 of the BCOR protein (p.Arg411Gln). The arginine residue is highly conserved and there is a small physicochemical difference between arginine and glutamine. This variant is not present in population databases (ExAC no frequency). This variant has not been reported in the literature in individuals with BCOR-related disease. Algorithms developed to predict the effect of missense changes on protein structure and function do not agree on the potential impact of this missense change (SIFT: "Deleterious"; PolyPhen-2: "Benign"; Align-GVGD: "Class C35"). In summary, the available evidence is currently insufficient to determine the role of this variant in disease. Therefore, it has been classified as a Variant of Uncertain Significance.